The following is an entry in ClinVar:

ClinVar aggregate classification (germline): Uncertain significance. Review status: criteria provided, multiple submitters, no conflicts (2 of 4 stars). 3 submissions from 3 submitters: Uncertain significance (3). Last evaluated 2025-09-02.

Allele frequency attached by ClinVar (database versions not stated): gnomAD 0.00005; gnomAD exomes 0.00007 and 0.00020; TOPMed 0.00007; ExAC 0.00008; ESP Exome Variant Server 0.00008.
gnomAD v4.1: 290 of 1,613,416 alleles (0.018%); highest among the groups gnomAD compares: Non-Finnish European, 0.024%; no homozygotes.

Submissions (3):

Labcorp Genetics (formerly Invitae), Labcorp
Classification: Uncertain significance. Last evaluated: 2025-09-02. Review status: criteria provided, single submitter. Criteria: Invitae Variant Classification Sherloc (09022015). Collection method: clinical testing. Allele origin: germline.
Comment: This sequence change replaces proline, which is neutral and non-polar, with arginine, which is basic and polar, at codon 642 of the DIAPH3 protein (p.Pro642Arg). This variant is present in population databases (rs369041383, gnomAD 0.01%). This variant has not been reported in the literature in individuals affected with DIAPH3-related conditions. ClinVar contains an entry for this variant (Variation ID: 1214832). An algorithm developed to predict the effect of missense changes on protein structure and function (PolyPhen-2) suggests that this variant is likely to be disruptive. In summary, the available evidence is currently insufficient to determine the role of this variant in disease. Therefore, it has been classified as a Variant of Uncertain Significance.

Ambry Genetics
Classification: Uncertain significance. Last evaluated: 2024-08-14. Review status: criteria provided, single submitter. Criteria: Ambry Variant Classification Scheme 2023. Collection method: clinical testing. Allele origin: germline.

GeneDx
Classification: Uncertain significance. Last evaluated: 2022-09-26. Review status: criteria provided, single submitter. Criteria: GeneDx Variant Classification Process June 2021. Collection method: clinical testing. Allele origin: germline. Affected: yes.
Comment: In silico analysis, which includes protein predictors and evolutionary conservation, supports a deleterious effect; Has not been previously published as pathogenic or benign to our knowledge; Variants in candidate genes are classified as variants of uncertain significance in accordance with ACMG guidelines (Richards et al., 2015)

NM_001042517.2(DIAPH3):c.1925C>G (p.Pro642Arg)

Gene: DIAPH3 (diaphanous related formin 3; minus strand). Cytogenetic location: 13q21.2.
Variant type: single nucleotide variant.
Coding change: c.1925C>G on transcript NM_001042517.2 (MANE Select); coding-DNA position 1925, C replaced by G.
Protein change: p.Pro642Arg; replaces proline 642 with arginine.
Molecular consequence: missense variant.
Genome position (GRCh38, 1-based): chr13:59,970,886, G>C on the plus strand (C>G on the coding strand, the complement: DIAPH3 is on the minus strand). VCF-style: chr13-59970886-G-C. GRCh37 (hg19) VCF-style: chr13-60545020-G-C.
Other names: c.1892C>G, p.Pro631Arg (NM_001258366.2); c.1787C>G, p.Pro596Arg (NM_001258367.2); c.1715C>G, p.Pro572Arg (NM_001258368.2); c.1925C>G, p.Pro642Arg (NM_001258369.2); c.1136C>G, p.Pro379Arg (NM_001258370.2, NM_030932.4); short protein forms P379R, P572R, P596R, P631R, P642R.
Identifiers: ClinVar variation 1214832 (VCV001214832.11), dbSNP rs369041383, ClinGen allele CA6996547.
Genomic context (GRCh38, chr13:59,970,886, plus strand): 5'-TATTTTCCTCTATTAATTTCTTTTACCTTTAACCAATTCAATCTTCTCATGCTGATTTCA[G>C]GTTTAAATTCTTTCTTTGGTTTCAACCCAAATGGCAGGATTGGTAGAGGAGGAGAATTTT-3'
Protein context (NP_001035982.1, residues 632-652): FGLKPKKEFK[Pro642Arg]EISMRRLNWL